The following is an entry in ClinVar:

ClinVar aggregate classification (germline): Pathogenic (1 of 4 stars; one submission).

Conditions:
Hereditary nonpolyposis colorectal neoplasms. Identifiers: MedGen C0009405, MeSH D003123.

Submission:

Labcorp Genetics (formerly Invitae), Labcorp
Classification: Pathogenic for Hereditary nonpolyposis colorectal neoplasms. Last evaluated: 2024-08-04. Review status: criteria provided, single submitter. Criteria: Invitae Variant Classification Sherloc (09022015). Collection method: clinical testing. Allele origin: germline.
Comment: This sequence change creates a premature translational stop signal (p.Ala23Profs*58) in the MSH6 gene. It is expected to result in an absent or disrupted protein product. Loss-of-function variants in MSH6 are known to be pathogenic (PMID: 18269114, 24362816). This variant is not present in population databases (gnomAD no frequency). This variant has not been reported in the literature in individuals affected with MSH6-related conditions. For these reasons, this variant has been classified as Pathogenic.

Literature cited by the submitters: PubMed 18269114; PubMed 24362816.

NM_000179.3(MSH6):c.67del (p.Ala23fs)

Gene: MSH6 (mutS homolog 6; plus strand). Cytogenetic location: 2p16.3.
Variant type: Deletion.
Coding change: c.67del on transcript NM_000179.3 (MANE Select); coding-DNA position 67, one base deleted (G; older notation c.67delG).
Protein change: p.Ala23fs; shifts the reading frame from alanine 23.
Molecular consequence: frameshift variant. On other transcripts: 5 prime UTR variant (7), non-coding transcript variant (5), intron variant (5).
Genome position (GRCh38, 1-based): chr2:47,783,300, G deleted; the last of 2 consecutive G bases (chr2:47,783,299-47,783,300); deleting either gives the same sequence. VCF-style (leftmost placement, unchanged base first): chr2-47783298-AG-A. GRCh37 (hg19) VCF-style: chr2-48010437-AG-A.
Other names: c.67del, p.Ala23fs (NM_001281492.2, NM_001406795.1, NM_001406796.1 and 9 more transcripts); c.-670del (NM_001281493.2, NM_001406811.1); c.-262del (NM_001406799.1); c.-38+69del (NM_001406805.1, NM_001406797.1, NM_001406801.1); c.-69+69del (NM_001406806.1); c.-280+69del (NM_001406815.1); c.12del, p.Arg4fs (NM_001406804.1); c.-862del (NM_001406807.1); and 3 more; short protein forms R4fs, A23fs.
Identifiers: ClinVar variation 3661335 (VCV003661335.2).